The following is an entry in ClinVar:

NM_006440.5(TXNRD2):c.110A>T (p.Gln37Leu)

Gene: TXNRD2 (thioredoxin reductase 2; minus strand). Cytogenetic location: 22q11.21.
Variant type: single nucleotide variant.
Coding change: c.110A>T on transcript NM_006440.5 (MANE Select); coding-DNA position 110, A replaced by T.
Protein change: p.Gln37Leu; replaces glutamine 37 with leucine.
Molecular consequence: missense variant. On other transcripts: 5 prime UTR variant (1), non-coding transcript variant (1).
Genome position (GRCh38, 1-based): chr22:19,931,092, T>A on the plus strand (A>T on the coding strand, the complement: TXNRD2 is on the minus strand). VCF-style: chr22-19931092-T-A. GRCh37 (hg19) VCF-style: chr22-19918615-T-A.
Other names: c.110A>T, p.Gln37Leu (NM_001282512.3); c.107A>T, p.Gln36Leu (NM_001352300.2); c.20A>T, p.Gln7Leu (NM_001352301.2); c.-179A>T (NM_001352302.2); c.14A>T, p.Gln5Leu (NM_001352303.2); short protein forms Q37L, Q36L, Q5L, Q7L.
Identifiers: ClinVar variation 240653 (VCV000240653.24), dbSNP rs148092370, ClinGen allele CA10104342.

ClinVar aggregate classification (germline): Benign/Likely benign. Review status: criteria provided, multiple submitters, no conflicts (2 of 4 stars). 7 submissions from 7 submitters: Benign (5); Likely benign (1). 1 of the submissions does not count toward it. Last evaluated 2026-07-01.

Conditions:
TXNRD2-related disorder. Also called: TXNRD2-related condition.
Glucocorticoid deficiency 5. Identifiers: MedGen C4540522, MONDO:0040502, OMIM 617825.
Cardiovascular phenotype. Identifiers: MedGen CN230736.
Primary dilated cardiomyopathy (DCM). Also called: Dilated Cardiomyopathy. Identifiers: Orphanet 217604, MedGen C0007193, MeSH D002311, MONDO:0005021, HP:0001644. Inheritance: Various modes of inheritance.

Allele frequency attached by ClinVar (database versions not stated): TOPMed 0.00207; ExAC 0.00316; gnomAD exomes 0.00374 and 0.00179; ESP Exome Variant Server 0.00105; 1000 Genomes Project 0.00120; 1000 Genomes Project 30x 0.00125; gnomAD 0.00149 and 0.00150.
gnomAD v4.1: 2,818 of 1,613,424 alleles (0.17%); highest among the groups gnomAD compares: Admixed American, 1.3%; 10 homozygotes.

Submissions (7):

CeGaT Center for Human Genetics Tuebingen
Classification: Likely benign. Last evaluated: 2026-07-01. Review status: criteria provided, single submitter. Criteria: CeGaT Center For Human Genetics Tuebingen Variant Classification Criteria Version 2. Collection method: clinical testing. Allele origin: germline. Affected: yes. Observed: 3 variant alleles.
Comment: TXNRD2: BS1

Labcorp Genetics (formerly Invitae), Labcorp
Classification: Benign for Primary dilated cardiomyopathy. Last evaluated: 2026-01-28. Review status: criteria provided, single submitter. Criteria: Invitae Variant Classification Sherloc (09022015). Collection method: clinical testing. Allele origin: germline.

Fulgent Genetics
Classification: Benign for Glucocorticoid deficiency 5. Last evaluated: 2021-10-15. Review status: criteria provided, single submitter. Criteria: ACMG Guidelines, 2015. Collection method: clinical testing. Allele origin: unknown.

GeneDx
Classification: Benign. Last evaluated: 2017-07-12. Review status: criteria provided, single submitter. Criteria: GeneDx Variant Classification (06012015). Collection method: clinical testing. Allele origin: germline. Affected: yes.
Comment: This variant is considered likely benign or benign based on one or more of the following criteria: it is a conservative change, it occurs at a poorly conserved position in the protein, it is predicted to be benign by multiple in silico algorithms, and/or has population frequency not consistent with disease.

Ambry Genetics
Classification: Benign for Cardiovascular phenotype. Last evaluated: 2016-06-15. Review status: criteria provided, single submitter. Criteria: Ambry Variant Classification Scheme 2023. Collection method: clinical testing. Allele origin: germline.

Breakthrough Genomics
Classification: Benign. Review status: criteria provided, single submitter. Criteria: ACMG Guidelines, 2015. Collection method: not provided. Allele origin: germline. Inheritance: Autosomal recessive inheritance. Affected: yes.

PreventionGenetics, part of Exact Sciences
Classification: Benign for TXNRD2-related condition. Last evaluated: 2020-03-11. Review status: no assertion criteria provided. Collection method: clinical testing. Allele origin: germline. Not counted in ClinVar's aggregate classification.
Comment: This variant is classified as benign based on ACMG/AMP sequence variant interpretation guidelines (Richards et al. 2015 PMID: 25741868, with internal and published modifications).